The following is an entry in ClinVar:

NM_005027.4(PIK3R2):c.1637T>C (p.Leu546Pro)

Gene: PIK3R2 (phosphoinositide-3-kinase regulatory subunit 2; plus strand). Cytogenetic location: 19p13.11.
Variant type: single nucleotide variant.
Coding change: c.1637T>C on transcript NM_005027.4 (MANE Select); coding-DNA position 1637, T replaced by C.
Protein change: p.Leu546Pro; replaces leucine 546 with proline.
Molecular consequence: missense variant. On other transcripts: non-coding transcript variant (2).
Genome position (GRCh38, 1-based): chr19:18,167,207, T>C. VCF-style: chr19-18167207-T-C. GRCh37 (hg19) VCF-style: chr19-18278017-T-C.
Other names: short protein forms L546P.
Identifiers: ClinVar variation 3669864 (VCV003669864.2).

ClinVar aggregate classification (germline): Uncertain significance (1 of 4 stars; one submission).

Conditions:
Megalencephaly-polymicrogyria-postaxial polydactyly-hydrocephalus syndrome. Also called: MPPH Syndrome; MEG-PMG-MEGACC SYNDROME. Identifiers: Orphanet 83473, MedGen C1863924, MONDO:0019375.

Submission:

Labcorp Genetics (formerly Invitae), Labcorp
Classification: Uncertain significance for Megalencephaly-polymicrogyria-postaxial polydactyly-hydrocephalus syndrome. Last evaluated: 2025-06-12. Review status: criteria provided, single submitter. Criteria: Invitae Variant Classification Sherloc (09022015). Collection method: clinical testing. Allele origin: germline.
Comment: This sequence change replaces leucine, which is neutral and non-polar, with proline, which is neutral and non-polar, at codon 546 of the PIK3R2 protein (p.Leu546Pro). This variant is not present in population databases (gnomAD no frequency). This variant has not been reported in the literature in individuals affected with PIK3R2-related conditions. ClinVar contains an entry for this variant (Variation ID: 3669864). Invitae Evidence Modeling of protein sequence and biophysical properties (such as structural, functional, and spatial information, amino acid conservation, physicochemical variation, residue mobility, and thermodynamic stability) has been performed for this missense variant. However, the output from this modeling did not meet the statistical confidence thresholds required to predict the impact of this variant on PIK3R2 protein function. In summary, the available evidence is currently insufficient to determine the role of this variant in disease. Therefore, it has been classified as a Variant of Uncertain Significance.